The following is an entry in ClinVar:

NM_017837.4(PIGV):c.499G>A (p.Gly167Ser)

Gene: PIGV (phosphatidylinositol glycan anchor biosynthesis class V; plus strand). Cytogenetic location: 1p36.11.
Variant type: single nucleotide variant.
Coding change: c.499G>A on transcript NM_017837.4 (MANE Select); coding-DNA position 499, G replaced by A.
Protein change: p.Gly167Ser; replaces glycine 167 with serine.
Molecular consequence: missense variant. On other transcripts: non-coding transcript variant (1), intron variant (3).
Genome position (GRCh38, 1-based): chr1:26,794,533, G>A. VCF-style: chr1-26794533-G-A. GRCh37 (hg19) VCF-style: chr1-27121024-G-A.
Other names: c.499G>A, p.Gly167Ser (NM_001202554.2, NM_001374478.1, NM_001374480.1 and 2 more transcripts); c.118G>A, p.Gly40Ser (NM_001374483.1); c.173-301G>A (NM_001374484.1, NM_001374485.1); c.79-3030G>A (NM_001374486.1); short protein forms G40S, G167S.
Identifiers: ClinVar variation 1997218 (VCV001997218.1), dbSNP rs756498571, ClinGen allele CA708066.

ClinVar aggregate classification (germline): Uncertain significance (1 of 4 stars; one submission).

Allele frequency attached by ClinVar (database versions not stated): gnomAD 0.00001; TOPMed 0.00001; ExAC 0.00005.
gnomAD v4.1: 5 of 1,614,082 alleles (0.00031%); highest among the groups gnomAD compares: East Asian, 0.011%; no homozygotes.

Submission:

Labcorp Genetics (formerly Invitae), Labcorp
Classification: Uncertain significance. Last evaluated: 2022-05-21. Review status: criteria provided, single submitter. Criteria: Invitae Variant Classification Sherloc (09022015). Collection method: clinical testing. Allele origin: germline.
Comment: This sequence change replaces glycine, which is neutral and non-polar, with serine, which is neutral and polar, at codon 167 of the PIGV protein (p.Gly167Ser). This variant is present in population databases (rs756498571, gnomAD 0.06%). This variant has not been reported in the literature in individuals affected with PIGV-related conditions. Algorithms developed to predict the effect of missense changes on protein structure and function output the following: SIFT: "Tolerated"; PolyPhen-2: "Benign"; Align-GVGD: "Class C0". The serine amino acid residue is found in multiple mammalian species, which suggests that this missense change does not adversely affect protein function. In summary, the available evidence is currently insufficient to determine the role of this variant in disease. Therefore, it has been classified as a Variant of Uncertain Significance.